The following is an entry in ClinVar:

ClinVar aggregate classification (germline): Uncertain significance (1 of 4 stars; one submission).

Submission:

Women's Health and Genetics/Laboratory Corporation of America, LabCorp
Classification: Uncertain significance. Last evaluated: 2025-01-08. Review status: criteria provided, single submitter. Criteria: LabCorp Variant Classification Summary - May 2015. Collection method: clinical testing. Allele origin: germline.
Comment: Variant summary: COL7A1 c.6565G>A (p.Gly2189Ser) results in a non-conservative amino acid change in the encoded protein sequence. Five of five in-silico tools predict a damaging effect of the variant on protein function. The variant was absent in 247550 control chromosomes (gnomAD). The available data on variant occurrences in the general population are insufficient to allow any conclusion about variant significance. To our knowledge, no occurrence of c.6565G>A in individuals affected with Dystrophic Epidermolysis Bullosa, Recessive and no experimental evidence demonstrating its impact on protein function have been reported. No submitters have cited clinical-significance assessments for this variant to ClinVar. Based on the evidence outlined above, the variant was classified as uncertain significance.

NM_000094.4(COL7A1):c.6565G>A (p.Gly2189Ser)

Gene: COL7A1 (collagen type VII alpha 1 chain; minus strand). Cytogenetic location: 3p21.31.
Variant type: single nucleotide variant.
Coding change: c.6565G>A on transcript NM_000094.4 (MANE Select); coding-DNA position 6565, G replaced by A.
Protein change: p.Gly2189Ser; replaces glycine 2189 with serine.
Molecular consequence: missense variant.
Genome position (GRCh38, 1-based): chr3:48,573,698, C>T on the plus strand (G>A on the coding strand, the complement: COL7A1 is on the minus strand). VCF-style: chr3-48573698-C-T. GRCh37 (hg19) VCF-style: chr3-48611131-C-T.
Other names: short protein forms G2189S.
Identifiers: ClinVar variation 3769192 (VCV003769192.2).